The following is an entry in ClinVar:

ClinVar aggregate classification (germline): Uncertain significance (1 of 4 stars; one submission).

Allele frequency attached by ClinVar (database versions not stated): gnomAD 0.00001; ExAC 0.00002.

Submission:

Labcorp Genetics (formerly Invitae), Labcorp
Classification: Uncertain significance. Last evaluated: 2023-12-21. Review status: criteria provided, single submitter. Criteria: Invitae Variant Classification Sherloc (09022015). Collection method: clinical testing. Allele origin: germline.
Comment: This sequence change replaces proline, which is neutral and non-polar, with threonine, which is neutral and polar, at codon 386 of the COL8A2 protein (p.Pro386Thr). The frequency data for this variant in the population databases is considered unreliable, as metrics indicate poor data quality at this position in the gnomAD database. This variant has not been reported in the literature in individuals affected with COL8A2-related conditions. Experimental studies and prediction algorithms are not available or were not evaluated, and the functional significance of this variant is currently unknown. In summary, the available evidence is currently insufficient to determine the role of this variant in disease. Therefore, it has been classified as a Variant of Uncertain Significance.

NM_005202.4(COL8A2):c.1156C>A (p.Pro386Thr)

Gene: COL8A2 (collagen type VIII alpha 2 chain; minus strand). Cytogenetic location: 1p34.3.
Variant type: single nucleotide variant.
Coding change: c.1156C>A on transcript NM_005202.4 (MANE Select); coding-DNA position 1156, C replaced by A.
Protein change: p.Pro386Thr; replaces proline 386 with threonine.
Molecular consequence: missense variant.
Genome position (GRCh38, 1-based): chr1:36,098,525, G>T on the plus strand (C>A on the coding strand, the complement: COL8A2 is on the minus strand). VCF-style: chr1-36098525-G-T. GRCh37 (hg19) VCF-style: chr1-36564126-G-T.
Other names: c.961C>A, p.Pro321Thr (NM_001294347.2); short protein forms P321T, P386T.
Identifiers: ClinVar variation 2903902 (VCV002903902.3), dbSNP rs763244654, ClinGen allele CA764985.